The following is an entry in ClinVar:

ClinVar aggregate classification (germline): Conflicting classifications of pathogenicity. Review status: criteria provided, conflicting classifications (1 of 4 stars). 2 submissions from 2 submitters: Uncertain significance (1); Likely benign (1). Last evaluated 2024-04-22.

Conditions:
Hereditary cancer-predisposing syndrome. Also called: Neoplastic Syndromes, Hereditary; Hereditary Cancer Syndrome; Hereditary neoplastic syndrome; Tumor predisposition. Identifiers: Orphanet 140162, MedGen C0027672, MeSH D009386, MONDO:0015356.
Microcephaly, normal intelligence and immunodeficiency (NBS). Also called: Microcephaly with normal intelligence immunodeficiency and lymphoreticular malignancies; Nonsyndromal microcephaly autosomal recessive with normal intelligence; Seemanova syndrome 2; Immunodeficiency, microcephaly with normal intelligence; SEEMANOVA SYNDROME II; Ataxia telangiectasia variant V1. Identifiers: Orphanet 647, MedGen C0398791, MONDO:0009623, OMIM 251260.

Submissions (2):

Ambry Genetics
Classification: Likely benign for Hereditary cancer-predisposing syndrome. Last evaluated: 2024-04-22. Review status: criteria provided, single submitter. Criteria: Ambry Variant Classification Scheme 2023. Collection method: clinical testing. Allele origin: germline.

Labcorp Genetics (formerly Invitae), Labcorp
Classification: Uncertain significance for Microcephaly, normal intelligence and immunodeficiency. Last evaluated: 2021-08-27. Review status: criteria provided, single submitter. Criteria: Invitae Variant Classification Sherloc (09022015). Collection method: clinical testing. Allele origin: germline.
Comment: In summary, the available evidence is currently insufficient to determine the role of this variant in disease. Therefore, it has been classified as a Variant of Uncertain Significance. Algorithms developed to predict the effect of missense changes on protein structure and function output the following: SIFT: "Tolerated"; PolyPhen-2: "Benign"; Align-GVGD: "Class C0". The serine amino acid residue is found in multiple mammalian species, suggesting that this missense change does not adversely affect protein function. These predictions have not been confirmed by published functional studies and their clinical significance is uncertain. This variant has not been reported in the literature in individuals with NBN-related conditions. This variant is not present in population databases (ExAC no frequency). This sequence change replaces tyrosine with serine at codon 429 of the NBN protein (p.Tyr429Ser). The tyrosine residue is weakly conserved and there is a large physicochemical difference between tyrosine and serine.

NM_002485.5(NBN):c.1286A>C (p.Tyr429Ser)

Gene: NBN (nibrin; minus strand). Cytogenetic location: 8q21.3.
Variant type: single nucleotide variant.
Coding change: c.1286A>C on transcript NM_002485.5 (MANE Select); coding-DNA position 1286, A replaced by C.
Protein change: p.Tyr429Ser; replaces tyrosine 429 with serine.
Molecular consequence: missense variant.
Genome position (GRCh38, 1-based): chr8:89,955,394, T>G on the plus strand (A>C on the coding strand, the complement: NBN is on the minus strand). VCF-style: chr8-89955394-T-G. GRCh37 (hg19) VCF-style: chr8-90967622-T-G.
Other names: c.1040A>C, p.Tyr347Ser (NM_001024688.3); short protein forms Y429S, Y347S.
Identifiers: ClinVar variation 848183 (VCV000848183.11), dbSNP rs370121348, ClinGen allele CA371656194.